The following is an entry in ClinVar:

ClinVar aggregate classification (germline): Uncertain significance. Review status: reviewed by expert panel (3 of 4 stars). 2 submissions from 2 submitters: Uncertain significance (1). 1 of the submissions does not count toward it. Last evaluated 2023-11-28.

Conditions:
Mitochondrial disease. Also called: Mitochondrial disorder; Mitochondrial disorders. Identifiers: Orphanet 68380, MedGen C0751651, MeSH D028361, MONDO:0044970.
Leigh syndrome (NULS). Also called: Leigh's necrotizing encephalopathy; Leigh's disease; Leigh Disease; Subacute necrotizing encephalopathy; Necrotizing encephalopathy infantile subacute of Leigh; LEIGH SYNDROME, NUCLEAR. Identifiers: Orphanet 506, MedGen C2931891, MONDO:0009723, OMIM 256000.

Submissions (2):

ClinGen Mitochondrial Disease Nuclear and Mitochondrial  Variant Curation Expert Panel, ClinGen
Classification: Uncertain significance for Mitochondrial disease. Last evaluated: 2023-11-28. Review status: reviewed by expert panel. Criteria: McCormick et al. (Hum Mutat. 2020). Collection method: curation. Allele origin: germline. Inheritance: Mitochondrial inheritance.
Comment: Blood and cerebrospinal fluid (CSF) lactates were normal. Muscle biopsy showed fat accumulation and slightly increased subsarcolemmal mitochondrial aggregates. Liver biopsy showed increased glycogen content and mild biliary ductular proliferation, and electron microscopy showed occasional moderately enlarged mitochondria with paracrystalline and crystalline inclusions. The variant was present at homoplasmy in blood, fibroblasts, liver, and muscle. As this is the only case reported to date, PS4 could not be applied. The computational predictor APOGEE gives a consensus rating of neutral with a score of 0.19 (Min=0, Max=1), which predicts no damaging effect on gene function, however an updated version of this predictor (APOGEE2) predicts a deleterious effect with a score of 0.752. This variant is absent in the GenBank dataset, Helix dataset, and gnomAD v3.1.2 (PM2_supporting). There are no cybrids, single fiber studies, or other functional assays reported on this variant. In summary, this variant meets criteria to be classified as uncertain significance for primary mitochondrial disease inherited in a mitochondrial manner. This classification was approved by the NICHD/NINDS U24 ClinGen Mitochondrial Disease Variant Curation Expert Panel on November 28, 2023. Mitochondrial DNA-specific ACMG/AMP criteria applied (PMID: 32906214): PM2_supporting, PP4.

Simons Lab, The University of Queensland
Classification: Pathogenic for Leigh's disease. Last evaluated: 2014-05-15. Review status: no assertion criteria provided. Collection method: research. Allele origin: maternal. Affected: yes. Observed: 1 variant allele. Not counted in ClinVar's aggregate classification.

Literature cited by the submitters: PubMed 25118196 (cited by Simons Lab, The University of Queensland).

NC_012920.1(MT-ND3):m.10134C>A

Gene: MT-ND3 (mitochondrially encoded NADH dehydrogenase 3; plus strand).
Variant type: single nucleotide variant.
Genome position: chrM-10134-C-A.
Other names: m.10134C>A.
Identifiers: ClinVar variation 156375 (VCV000156375.4), dbSNP rs587780529, ClinGen allele CA270779.